The following is an entry in ClinVar:

NM_000245.4(MET):c.133A>T (p.Asn45Tyr)

Gene: MET (MET proto-oncogene, receptor tyrosine kinase; plus strand). Cytogenetic location: 7q31.2.
Variant type: single nucleotide variant.
Coding change: c.133A>T on transcript NM_000245.4 (MANE Select); coding-DNA position 133, A replaced by T.
Protein change: p.Asn45Tyr; replaces asparagine 45 with tyrosine.
Molecular consequence: missense variant. On other transcripts: intron variant (1).
Genome position (GRCh38, 1-based): chr7:116,699,217, A>T. VCF-style: chr7-116699217-A-T. GRCh37 (hg19) VCF-style: chr7-116339271-A-T.
Other names: c.133A>T, p.Asn45Tyr (NM_001127500.3, NM_001324401.3); c.-91+26640A>T (NM_001324402.2); short protein forms N45Y.
Identifiers: ClinVar variation 4797959 (VCV004797959.1).

ClinVar aggregate classification (germline): Uncertain significance (1 of 4 stars; one submission).

Conditions:
Renal cell carcinoma. Identifiers: Orphanet 217071, MedGen C0007134, MeSH D002292, MONDO:0005086, HP:0005584.

Submission:

Labcorp Genetics (formerly Invitae), Labcorp
Classification: Uncertain significance for Renal cell carcinoma. Last evaluated: 2026-02-02. Review status: criteria provided, single submitter. Criteria: Invitae Variant Classification Sherloc (09022015). Collection method: clinical testing. Allele origin: germline.
Comment: This sequence change replaces asparagine, which is neutral and polar, with tyrosine, which is neutral and polar, at codon 45 of the MET protein (p.Asn45Tyr). This variant is not present in population databases (gnomAD no frequency). This variant has not been reported in the literature in individuals affected with MET-related conditions. Invitae Evidence Modeling of protein sequence and biophysical properties (such as structural, functional, and spatial information, amino acid conservation, physicochemical variation, residue mobility, and thermodynamic stability) indicates that this missense variant is not expected to disrupt MET protein function with a negative predictive value of 80%. In summary, the available evidence is currently insufficient to determine the role of this variant in disease. Therefore, it has been classified as a Variant of Uncertain Significance.